The following is an entry in ClinVar:

ClinVar aggregate classification (germline): Pathogenic (1 of 4 stars; one submission).

Conditions:
Fanconi anemia complementation group O. Also called: RAD51C-Related Fanconi Anemia. Identifiers: Orphanet 84, MedGen C3150653, MONDO:0013248, OMIM 613390.

Submission:

Labcorp Genetics (formerly Invitae), Labcorp
Classification: Pathogenic for Fanconi anemia complementation group O. Last evaluated: 2016-08-03. Review status: criteria provided, single submitter. Criteria: Invitae Variant Classification Sherloc (09022015). Collection method: clinical testing. Allele origin: germline.
Comment: This variant is a gross deletion of the genomic region encompassing exons 4-5 of the RAD51C gene. This creates a premature translational stop signal and is expected to result in an absent or disrupted protein product. While this particular variant has not been reported in the literature, loss-of-function variants in RAD51C are known to be pathogenic (PMID: 20400964, 21990120, 24800917). For these reasons, this variant has been classified as Pathogenic.

NC_000017.11:g.(?_58703196)_(58709990_?)del

Genes: RAD51C (RAD51 paralog C; plus strand), LOC129390903 (MPRA-validated peak2919 silencer; plus strand), LOC130061311 (ATAC-STARR-seq lymphoblastoid active region 12492; plus strand). Cytogenetic location: 17q22.
Variant type: Deletion.
Identifiers: ClinVar variation 417479 (VCV000417479.1).